The following is an entry in ClinVar:

NM_001353214.3(DYM):c.59T>A (p.Leu20Ter)

Gene: DYM (dymeclin; minus strand). Cytogenetic location: 18q21.1.
Variant type: single nucleotide variant.
Coding change: c.59T>A on transcript NM_001353214.3 (MANE Select); coding-DNA position 59, T replaced by A.
Protein change: p.Leu20Ter; replaces leucine 20 with a stop codon.
Molecular consequence: nonsense.
Genome position (GRCh38, 1-based): chr18:49,430,336, A>T on the plus strand (T>A on the coding strand, the complement: DYM is on the minus strand). VCF-style: chr18-49430336-A-T. GRCh37 (hg19) VCF-style: chr18-46956706-A-T.
Other names: c.59T>A, p.Leu20Ter (NM_001353210.3, NM_001353211.3, NM_001353212.3 and 21 more transcripts); short protein forms L20*.
Identifiers: ClinVar variation 1322791 (VCV001322791.5), dbSNP rs2074694091, ClinGen allele CA402412596.
Genomic context (GRCh38, chr18:49,430,336, plus strand): 5'-GAAAATGAGAGAAGCTGATTCCAGAACGGGTCATTCTCAGAGATAGATTCCGTGCCTGAT[A>T]ACTTTTTCAAGTACTCATTTTTAGGAAGATCGCCGATTCTGCTGCTATTCGATCCCATCT-3'

ClinVar aggregate classification (germline): Pathogenic. Review status: criteria provided, multiple submitters, no conflicts (2 of 4 stars). 2 submissions from 2 submitters: Pathogenic (2). Last evaluated 2022-05-22.

Conditions:
Dyggve-Melchior-Clausen syndrome (DMC). Also called: Dyggve-Melchior-Clausen disease; DMC syndrome. Identifiers: Orphanet 239, MedGen C0265286, MONDO:0009130, OMIM 223800.

Allele frequency attached by ClinVar (database versions not stated): TOPMed below 0.00001.

Submissions (2):

3billion
Classification: Pathogenic for Dyggve-Melchior-Clausen syndrome. Last evaluated: 2022-05-22. Review status: criteria provided, single submitter. Criteria: ACMG Guidelines, 2015. Collection method: clinical testing. Allele origin: germline. Affected: yes. Observed: 1 homozygote.
Comment: The variant is not observed in the gnomAD v2.1.1 dataset. Stop-gained (nonsense): predicted to result in a loss or disruption of normal protein function through nonsense-mediated decay (NMD) or protein truncation. Multiple pathogenic variants are reported downstream of the variant. The variant has been reported to be associated with DYM related disorder (PMID: 32886330). Therefore, this variant is classified as pathogenic according to the recommendation of ACMG/AMP guideline.

Revvity Omics, Revvity
Classification: Pathogenic. Last evaluated: 2020-06-22. Review status: criteria provided, single submitter. Criteria: ACMG Guidelines, 2015. Collection method: clinical testing. Allele origin: germline.

Literature cited by the submitters: PubMed 32886330 (cited by 3billion).